The following is an entry in ClinVar:

ClinVar aggregate classification (germline): Conflicting classifications of pathogenicity. Review status: criteria provided, conflicting classifications (1 of 4 stars). 2 submissions from 2 submitters: Uncertain significance (1); Likely benign (1). Last evaluated 2025-04-08.

Conditions:
Spinocerebellar ataxia, autosomal recessive, with axonal neuropathy 2 (SCAN2). Also called: Ataxia-ocular apraxia-2; Ataxia with Oculomotor Apraxia Type 2; ATAXIA-OCULOMOTOR APRAXIA 2; Ataxia with Oculomotor Apraxia. Identifiers: Orphanet 64753, MedGen C1853761, MONDO:0018996, OMIM 606002.
Amyotrophic lateral sclerosis type 4 (ALS4). Also called: NEURONOPATHY, DISTAL HEREDITARY MOTOR, WITH PYRAMIDAL FEATURES; AMYOTROPHIC LATERAL SCLEROSIS 4, JUVENILE. Identifiers: Orphanet 357043, MedGen C1865409, MONDO:0011223, OMIM 602433.
SETX-related disorder. Also called: SETX-related disorders; SETX-related condition. Identifiers: MedGen CN239403.

Allele frequency attached by ClinVar (database versions not stated): gnomAD exomes below 0.00001.
gnomAD v4.1: 3 of 1,613,708 alleles (0.00019%); highest among the groups gnomAD compares: Non-Finnish European, 0.00025%; no homozygotes.

Submissions (2):

PreventionGenetics, part of Exact Sciences
Classification: Likely benign for SETX-related condition. Last evaluated: 2025-04-08. Review status: criteria provided, single submitter. Criteria: ACMG Guidelines, 2015. Collection method: clinical testing. Allele origin: germline.
Comment: This variant is classified as likely benign based on ACMG/AMP sequence variant interpretation guidelines (Richards et al. 2015 PMID: 25741868, with internal and published modifications).

Labcorp Genetics (formerly Invitae), Labcorp
Classification: Uncertain significance for Amyotrophic lateral sclerosis type 4; Spinocerebellar ataxia, autosomal recessive, with axonal neuropathy 2. Last evaluated: 2024-02-17. Review status: criteria provided, single submitter. Criteria: Invitae Variant Classification Sherloc (09022015). Collection method: clinical testing. Allele origin: germline.
Comment: This sequence change falls in intron 3 of the SETX gene. It does not directly change the encoded amino acid sequence of the SETX protein. It affects a nucleotide within the consensus splice site. This variant is not present in population databases (gnomAD no frequency). This variant has not been reported in the literature in individuals affected with SETX-related conditions. ClinVar contains an entry for this variant (Variation ID: 1371523). Variants that disrupt the consensus splice site are a relatively common cause of aberrant splicing (PMID: 17576681, 9536098). Algorithms developed to predict the effect of sequence changes on RNA splicing suggest that this variant is not likely to affect RNA splicing. In summary, the available evidence is currently insufficient to determine the role of this variant in disease. Therefore, it has been classified as a Variant of Uncertain Significance.

Literature cited by the submitters: PubMed 17576681 (cited by Labcorp Genetics (formerly Invitae), Labcorp); PubMed 9536098 (cited by Labcorp Genetics (formerly Invitae), Labcorp).

NM_015046.7(SETX):c.177+6A>G

Gene: SETX (senataxin; minus strand). Cytogenetic location: 9q34.13.
Variant type: single nucleotide variant.
Coding change: c.177+6A>G on transcript NM_015046.7 (MANE Select); 6 bases into the intron after coding-DNA position 177, A replaced by G.
Molecular consequence: intron variant.
Genome position (GRCh38, 1-based): chr9:132,349,246, T>C on the plus strand (A>G on the coding strand, the complement: SETX is on the minus strand). VCF-style: chr9-132349246-T-C. GRCh37 (hg19) VCF-style: chr9-135224633-T-C.
Other names: c.177+6A>G (NM_001351528.2, NM_001351527.2, NM_015046.5).
Identifiers: ClinVar variation 1371523 (VCV001371523.7), dbSNP rs2131575018, ClinGen allele CA2573144034.